The following is an entry in ClinVar:

ClinVar aggregate classification (germline): Uncertain significance (1 of 4 stars; one submission).

Conditions:
Inborn genetic diseases. Identifiers: MedGen C0950123, MeSH D030342.

Submission:

Ambry Genetics
Classification: Uncertain significance for Inborn genetic diseases. Last evaluated: 2026-03-19. Review status: criteria provided, single submitter. Criteria: Ambry Variant Classification Scheme 2023. Collection method: clinical testing. Allele origin: germline.
Comment: The p.S766C variant (also known as c.2297C>G), located in coding exon 13 of the ASXL1 gene, results from a C to G substitution at nucleotide position 2297. The serine at codon 766 is replaced by cysteine, an amino acid with dissimilar properties. This amino acid position is conserved. In addition, this alteration is predicted to be tolerated by in silico analysis. Based on the available evidence, the clinical significance of this variant remains unclear.

NM_015338.6(ASXL1):c.2297C>G (p.Ser766Cys)

Gene: ASXL1 (ASXL transcriptional regulator 1; plus strand). Cytogenetic location: 20q11.21.
Variant type: single nucleotide variant.
Coding change: c.2297C>G on transcript NM_015338.6 (MANE Select); coding-DNA position 2297, C replaced by G.
Protein change: p.Ser766Cys; replaces serine 766 with cysteine.
Molecular consequence: missense variant.
Genome position (GRCh38, 1-based): chr20:32,435,009, C>G. VCF-style: chr20-32435009-C-G. GRCh37 (hg19) VCF-style: chr20-31022812-C-G.
Other names: c.2114C>G, p.Ser705Cys (NM_001363734.1); short protein forms S705C, S766C.
Identifiers: ClinVar variation 4864029 (VCV004864029.1).
Genomic context (GRCh38, chr20:32,435,009, plus strand): 5'-CCTCCCAACTCCCCGTTGCTCCCACTGGGGACCAGCCATGCCAGGCCTTGCCCCTACTGT[C>G]CTCCCAAACCTCAGTAGCTGAGAGATTAGTGGAGCAGCCTCAGTTGCATCCGGATGTTAG-3'
Protein context (NP_056153.2, residues 756-776): DQPCQALPLL[Ser766Cys]SQTSVAERLV